The following is an entry in ClinVar:

NM_001358921.2(COQ2):c.629-10C>T

Gene: COQ2 (coenzyme Q2, polyprenyltransferase; minus strand). Cytogenetic location: 4q21.23.
Variant type: single nucleotide variant.
Coding change: c.629-10C>T on transcript NM_001358921.2 (MANE Select); 10 bases into the intron before coding-DNA position 629, C replaced by T.
Molecular consequence: intron variant.
Genome position (GRCh38, 1-based): chr4:83,270,003, G>A on the plus strand (C>T on the coding strand, the complement: COQ2 is on the minus strand). VCF-style: chr4-83270003-G-A. GRCh37 (hg19) VCF-style: chr4-84191156-G-A.
Other names: c.779-10C>T (NM_015697.9).
Identifiers: ClinVar variation 4974652 (VCV004974652.1).

ClinVar aggregate classification (germline): Uncertain significance (1 of 4 stars; one submission).

Conditions:
Coenzyme Q10 deficiency, primary, 1. Also called: UBIQUINONE DEFICIENCY 1; COENZYME Q DEFICIENCY 1; CoQ DEFICIENCY 1. Identifiers: Orphanet 255249, MedGen C3551954, MONDO:0011829, OMIM 607426.

gnomAD v4.1: 3 of 1,611,680 alleles (0.00019%); highest among the groups gnomAD compares: African/African-American, 0.0027%; no homozygotes.

Submission:

Clinical Genomics Laboratory, Washington University in St. Louis
Classification: Uncertain significance for Coenzyme Q10 deficiency, primary, 1. Last evaluated: 2026-04-28. Review status: criteria provided, single submitter. Criteria: ACMG Guidelines, 2015. Collection method: clinical testing. Allele origin: germline.
Comment: A COQ2 c.629-10C>T variant was identified in a heterozygous state. This variant, to our knowledge, has not been reported in the medical literature or the ClinVar database. It is only observed in 2/278,136 alleles in the general population (gnomAD v2.1.1), indicating it is not a common variant. Computational predictors indicate that the variant has no impact on splicing, evidence that this variant does not have a damaging effect on COQ2 function. Due to limited information, and based on ACMG/AMP guidelines for variant interpretation (Richards S et al., PMID: 25741868), the clinical significance of this variant is uncertain at this time.